The following is an entry in ClinVar:

NM_004006.3(DMD):c.866C>T (p.Thr289Ile)

Gene: DMD (dystrophin; minus strand). Cytogenetic location: Xp21.1.
Variant type: single nucleotide variant.
Coding change: c.866C>T on transcript NM_004006.3 (MANE Select); coding-DNA position 866, C replaced by T.
Protein change: p.Thr289Ile; replaces threonine 289 with isoleucine.
Molecular consequence: missense variant.
Genome position (GRCh38, 1-based): chrX:32,697,964, G>A on the plus strand (C>T on the coding strand, the complement: DMD is on the minus strand). VCF-style: chrX-32697964-G-A. GRCh37 (hg19) VCF-style: chrX-32716081-G-A.
Other names: c.842C>T, p.Thr281Ile (NM_000109.4); c.854C>T, p.Thr285Ile (NM_004009.3); c.497C>T, p.Thr166Ile (NM_004010.3); short protein forms T285I, T289I, T281I, T166I.
Identifiers: ClinVar variation 3840474 (VCV003840474.1).

ClinVar aggregate classification (germline): Uncertain significance (1 of 4 stars; one submission).

Conditions:
Cardiovascular phenotype. Identifiers: MedGen CN230736.

gnomAD v4.1: 2 of 1,203,001 alleles (0.00017%); highest among the groups gnomAD compares: Middle Eastern, 0.046%; 1 homozygote.

Submission:

Ambry Genetics
Classification: Uncertain significance for Cardiovascular phenotype. Last evaluated: 2024-12-23. Review status: criteria provided, single submitter. Criteria: Ambry Variant Classification Scheme 2023. Collection method: clinical testing. Allele origin: germline.
Comment: The p.T289I variant (also known as c.866C>T), located in coding exon 9 of the DMD gene, results from a C to T substitution at nucleotide position 866. The threonine at codon 289 is replaced by isoleucine, an amino acid with similar properties. This amino acid position is not well conserved in available vertebrate species. In addition, this alteration is predicted to be tolerated by in silico analysis. Based on the available evidence, the clinical significance of this variant remains unclear.